The following is an entry in ClinVar:

ClinVar aggregate classification (germline): Uncertain significance (1 of 4 stars; one submission).

Submission:

Dasa
Classification: Uncertain significance. Last evaluated: 2026-01-19. Review status: criteria provided, single submitter. Criteria: DASA Assertion Criteria. Collection method: clinical testing. Allele origin: germline.
Comment: NM_004380.3(CREBBP):c.976-1G>T affects a canonical splice site and is predicted to disrupt normal RNA splicing. This variant is absent from population databases. The currently available literature and clinical evidence are not sufficient to establish a definitive association between this variant and the reported condition. Therefore, this variant is classified as a variant of uncertain significance.

NM_004380.3(CREBBP):c.976-1G>T

Gene: CREBBP (CREB binding lysine acetyltransferase; minus strand). Cytogenetic location: 16p13.3.
Variant type: single nucleotide variant.
Coding change: c.976-1G>T on transcript NM_004380.3 (MANE Select); the canonical splice acceptor site of the intron before coding-DNA position 976, G replaced by T.
Molecular consequence: splice acceptor variant.
Genome position (GRCh38, 1-based): chr16:3,793,627, C>A on the plus strand (G>T on the coding strand, the complement: CREBBP is on the minus strand). VCF-style: chr16-3793627-C-A. GRCh37 (hg19) VCF-style: chr16-3843628-C-A.
Other names: c.976-1G>T (NM_001079846.1).
Identifiers: ClinVar variation 4885945 (VCV004885945.2).
Genomic context (GRCh38, chr16:3,793,627, plus strand): 5'-AGTGGGGCCTGTTGCAATTGCTTGTGTGGGTACAATTCCCACTGATGTTTGCATCTGAGA[C>A]TAAAATAAAGCAAAATAATAAAAATACTTTAACCTCTCAGAGTTCCAAGTCATATTCATT-3'